The following is an entry in ClinVar:

ClinVar aggregate classification (germline): Uncertain significance. Review status: criteria provided, multiple submitters, no conflicts (2 of 4 stars). 2 submissions from 2 submitters: Uncertain significance (2). Last evaluated 2025-01-27.

Allele frequency attached by ClinVar (database versions not stated): gnomAD exomes 0.00001 and 0.00003; TOPMed 0.00001; gnomAD 0.00006; ExAC 0.00011.
gnomAD v4.1: 11 of 1,598,766 alleles (0.00069%); highest among the groups gnomAD compares: Admixed American, 0.017%; no homozygotes.

Submissions (2):

GeneDx
Classification: Uncertain significance. Last evaluated: 2025-01-27. Review status: criteria provided, single submitter. Criteria: GeneDx Variant Classification Process June 2021. Collection method: clinical testing. Allele origin: germline. Affected: yes.
Comment: In silico analysis indicates that this missense variant does not alter protein structure/function; Has not been previously published as pathogenic or benign to our knowledge

Eurofins Ntd Llc (ga)
Classification: Uncertain significance. Last evaluated: 2016-07-25. Review status: criteria provided, single submitter. Criteria: EGL Classification Definitions 2015. Collection method: clinical testing. Allele origin: germline. Observed: 1 variant allele, 1 heterozygote.

NM_004817.4(TJP2):c.919G>A (p.Gly307Arg)

Gene: TJP2 (tight junction protein 2; plus strand). Cytogenetic location: 9q21.11.
Variant type: single nucleotide variant.
Coding change: c.919G>A on transcript NM_004817.4 (MANE Select); coding-DNA position 919, G replaced by A.
Protein change: p.Gly307Arg; replaces glycine 307 with arginine.
Molecular consequence: missense variant.
Genome position (GRCh38, 1-based): chr9:69,221,463, G>A. VCF-style: chr9-69221463-G-A. GRCh37 (hg19) VCF-style: chr9-71836379-G-A.
Other names: c.919G>A, p.Gly307Arg (LRG_1201t1, NM_001369872.1, NM_001369873.1 and 1 more transcripts); c.850G>A, p.Gly284Arg (NM_001170414.2, NM_001369870.1, NM_001369871.1); c.931G>A, p.Gly311Arg (NM_001170415.1, NM_001369874.1, NM_001369875.1); c.1012G>A, p.Gly338Arg (NM_001170416.2); short protein forms G307R, G284R, G311R, G338R.
Identifiers: ClinVar variation 289809 (VCV000289809.9), dbSNP rs755673431, ClinGen allele CA5073129.